The following is an entry in ClinVar:

ClinVar aggregate classification (germline): Uncertain significance (1 of 4 stars; one submission).

Conditions:
Focal segmental glomerulosclerosis 5 (FSGS5). Identifiers: Orphanet 656, MedGen C2750475, MONDO:0013191, OMIM 613237.
Charcot-Marie-Tooth disease dominant intermediate E. Also called: CHARCOT-MARIE-TOOTH NEUROPATHY WITH FOCAL SEGMENTAL GLOMERULONEPHRITIS. Identifiers: Orphanet 93114, MedGen C4302667, MONDO:0013758, OMIM 614455.

Allele frequency attached by ClinVar (database versions not stated): TOPMed 0.00001.

Submission:

Labcorp Genetics (formerly Invitae), Labcorp
Classification: Uncertain significance for Charcot-Marie-Tooth disease dominant intermediate E; Focal segmental glomerulosclerosis 5. Last evaluated: 2022-10-17. Review status: criteria provided, single submitter. Criteria: Invitae Variant Classification Sherloc (09022015). Collection method: clinical testing. Allele origin: germline.
Comment: In summary, the available evidence is currently insufficient to determine the role of this variant in disease. Therefore, it has been classified as a Variant of Uncertain Significance. Advanced modeling of protein sequence and biophysical properties (such as structural, functional, and spatial information, amino acid conservation, physicochemical variation, residue mobility, and thermodynamic stability) performed at Invitae indicates that this missense variant is not expected to disrupt INF2 protein function. This variant has not been reported in the literature in individuals affected with INF2-related conditions. This variant is not present in population databases (gnomAD no frequency). This sequence change replaces leucine, which is neutral and non-polar, with phenylalanine, which is neutral and non-polar, at codon 675 of the INF2 protein (p.Leu675Phe).

NM_022489.4(INF2):c.2023C>T (p.Leu675Phe)

Gene: INF2 (inverted formin 2; plus strand). Cytogenetic location: 14q32.33.
Variant type: single nucleotide variant.
Coding change: c.2023C>T on transcript NM_022489.4 (MANE Select); coding-DNA position 2023, C replaced by T.
Protein change: p.Leu675Phe; replaces leucine 675 with phenylalanine.
Molecular consequence: missense variant.
Genome position (GRCh38, 1-based): chr14:104,709,354, C>T. VCF-style: chr14-104709354-C-T. GRCh37 (hg19) VCF-style: chr14-105175691-C-T.
Other names: c.2023C>T, p.Leu675Phe (NM_001031714.4); short protein forms L675F.
Identifiers: ClinVar variation 1943734 (VCV001943734.5), dbSNP rs1370319309, ClinGen allele CA391219699.
Genomic context (GRCh38, chr14:104,709,354, plus strand): 5'-GTCGCTGCTATGATCCGGGCTGGAGATACCACCAAGTTTGATGTGGAGGTTCTCAAACAA[C>T]TCCTTAAGCTCCTTCCCGAGAAGCACGAGGTAAGAGGACCACCCCCACACCCCACCCCCA-3'
Protein context (NP_071934.3, residues 665-685): TKFDVEVLKQ[Leu675Phe]LKLLPEKHEI